The following is an entry in ClinVar:

ClinVar aggregate classification (germline): Likely benign (1 of 4 stars; one submission).

Conditions:
KIDINS220-related disorder. Also called: KIDINS220-related condition.

Submission:

PreventionGenetics, part of Exact Sciences
Classification: Likely benign for KIDINS220-related condition. Last evaluated: 2025-10-31. Review status: criteria provided, single submitter. Criteria: ACMG Guidelines, 2015. Collection method: clinical testing. Allele origin: germline.
Comment: This variant is classified as likely benign based on ACMG/AMP sequence variant interpretation guidelines (Richards et al. 2015 PMID: 25741868, with internal and published modifications).

NM_020738.4(KIDINS220):c.642T>A (p.Gly214=)

Gene: KIDINS220 (kinase D interacting substrate 220; minus strand). Cytogenetic location: 2p25.1.
Variant type: single nucleotide variant.
Coding change: c.642T>A on transcript NM_020738.4 (MANE Select); coding-DNA position 642, T replaced by A.
Protein change: p.Gly214=; no amino-acid change (glycine 214 retained).
Molecular consequence: synonymous variant. On other transcripts: non-coding transcript variant (2).
Genome position (GRCh38, 1-based): chr2:8,803,089, A>T on the plus strand (T>A on the coding strand, the complement: KIDINS220 is on the minus strand). VCF-style: chr2-8803089-A-T. GRCh37 (hg19) VCF-style: chr2-8943219-A-T.
Other names: c.645T>A, p.Gly215= (NM_001348729.2, NM_001348731.2, NM_001348734.2 and 3 more transcripts); c.642T>A, p.Gly214= (NM_001348732.2, NM_001348735.2, NM_001348738.2 and 3 more transcripts); c.516T>A, p.Gly172= (NM_001348736.2).
Identifiers: ClinVar variation 4998457 (VCV004998457.1).